The following is an entry in ClinVar:

GRCh38/hg38 9q34.11(chr9:128808545-129002107)x3

Genes: DOLK (dolichol kinase; minus strand), ENDOG (endonuclease G; plus strand), KYAT1 (kynurenine aminotransferase 1; minus strand), KYAT1-SPOUT1 (KYAT1-SPOUT1 readthrough; minus strand), LRRC8A (leucine rich repeat containing 8 VRAC subunit A; plus strand) and 13 more. Cytogenetic location: 9q34.11.
Variant type: copy number gain.
Change: copy number 3 (three copies instead of two) of chr9:128,808,545-129,002,107 (193.6 kb, GRCh38 coordinates, 1-based), cytogenetic band 9q34.11.
Identifiers: ClinVar variation 58499 (VCV000058499.2).

ClinVar aggregate classification (germline): Uncertain significance (1 of 4 stars; one submission).

Submission:

ISCA Site 6
Classification: Uncertain significance. Last evaluated: 2011-08-12. Review status: criteria provided, single submitter. Criteria: Kaminsky et al. (Genet Med. 2011). Collection method: clinical testing. Allele origin: maternal. Affected: yes. Observed: 1 variant allele.
Comment: Copy number variation identified through the course of routine clinical cytogenomic testing in postnatal populations. Clinical assertions have been curated as described in Kaminsky et al. 2011.